The following is an entry in ClinVar:

NM_024079.5(ALG8):c.428T>G (p.Phe143Cys)

Gene: ALG8 (ALG8 alpha-1,3-glucosyltransferase; minus strand). Cytogenetic location: 11q14.1.
Variant type: single nucleotide variant.
Coding change: c.428T>G on transcript NM_024079.5 (MANE Select); coding-DNA position 428, T replaced by G.
Protein change: p.Phe143Cys; replaces phenylalanine 143 with cysteine.
Molecular consequence: missense variant.
Genome position (GRCh38, 1-based): chr11:78,121,115, A>C on the plus strand (T>G on the coding strand, the complement: ALG8 is on the minus strand). VCF-style: chr11-78121115-A-C. GRCh37 (hg19) VCF-style: chr11-77832161-A-C.
Other names: c.428T>G, p.Phe143Cys (NM_001007027.3, NM_001425221.1, NM_001425222.1 and 13 more transcripts); c.431T>G, p.Phe144Cys (NM_001425219.1); c.413T>G, p.Phe138Cys (NM_001425220.1); c.275T>G, p.Phe92Cys (NM_001425226.1, NM_001425235.1, NM_001425236.1); c.227T>G, p.Phe76Cys (NM_001425231.1); c.164T>G, p.Phe55Cys (NM_001425234.1, NM_001425239.1); c.-89T>G (NM_001425241.1); c.-123T>G (NM_001425242.1); short protein forms F138C, F143C, F144C, F55C, F76C, F92C.
Identifiers: ClinVar variation 3049086 (VCV003049086.2), dbSNP rs2497084222, ClinGen allele CA382119336.
Genomic context (GRCh38, chr11:78,121,115, plus strand): 5'-TCAAGGATACGGTCCACAATTAATAACCCGAAGTTCCACAGAAGTAATACCGACAGAATA[A>C]ATTTTGGCTTTTCTGTAAGTTCTTTACCCACTTTTTTTCCATCAATGCATTTACAGCACC-3'
Protein context (NP_076984.2, residues 133-153): VGKELTEKPK[Phe143Cys]ILSVLLLWNF

ClinVar aggregate classification (germline): Uncertain significance (0 of 4 stars; one submission).

Conditions:
ALG8-related disorder.

Allele frequency attached by ClinVar (database versions not stated): gnomAD exomes 0.00001.

Submission:

PreventionGenetics, part of Exact Sciences
Classification: Uncertain significance for ALG8-related condition. Last evaluated: 2023-12-15. Review status: no assertion criteria provided. Collection method: clinical testing. Allele origin: germline.
Comment: The ALG8 c.428T>G variant is predicted to result in the amino acid substitution p.Phe143Cys. To our knowledge, this variant has not been reported in the literature or in a large population database, indicating this variant is rare. At this time, the clinical significance of this variant is uncertain due to the absence of conclusive functional and genetic evidence.